The following is an entry in ClinVar:

NM_001366385.1(CARD14):c.160G>A (p.Glu54Lys)

Gene: CARD14 (caspase recruitment domain family member 14; plus strand). Cytogenetic location: 17q25.3.
Variant type: single nucleotide variant.
Coding change: c.160G>A on transcript NM_001366385.1 (MANE Select); coding-DNA position 160, G replaced by A.
Protein change: p.Glu54Lys; replaces glutamic acid 54 with lysine.
Molecular consequence: missense variant. On other transcripts: non-coding transcript variant (1).
Genome position (GRCh38, 1-based): chr17:80,181,598, G>A. VCF-style: chr17-80181598-G-A. GRCh37 (hg19) VCF-style: chr17-78155397-G-A.
Other names: c.160G>A, p.Glu54Lys (NM_001257970.1, NM_024110.4); short protein forms E54K.
Identifiers: ClinVar variation 1514189 (VCV001514189.8), dbSNP rs755140319, ClinGen allele CA8816343.

ClinVar aggregate classification (germline): Uncertain significance (1 of 4 stars; one submission).

Conditions:
Pityriasis rubra pilaris (PRP). Also called: Pityriasis rubra pilaris--familial type. Identifiers: Orphanet 2897, MedGen C0032027, MONDO:0100017, OMIM 173200, MONDO:0008251.
Psoriasis 2. Identifiers: MedGen C1864497, MONDO:0011269, OMIM 602723.

Allele frequency attached by ClinVar (database versions not stated): gnomAD exomes 0.00001; ExAC 0.00005; gnomAD 0.00008 and 0.00009; TOPMed 0.00009.
gnomAD v4.1: 39 of 1,559,490 alleles (0.0025%); highest among the groups gnomAD compares: African/African-American, 0.035%; no homozygotes.

Submission:

Labcorp Genetics (formerly Invitae), Labcorp
Classification: Uncertain significance for Pityriasis rubra pilaris; Psoriasis 2. Last evaluated: 2025-08-07. Review status: criteria provided, single submitter. Criteria: Invitae Variant Classification Sherloc (09022015). Collection method: clinical testing. Allele origin: germline.
Comment: This sequence change replaces glutamic acid, which is acidic and polar, with lysine, which is basic and polar, at codon 54 of the CARD14 protein (p.Glu54Lys). This variant is present in population databases (rs755140319, gnomAD 0.02%). This variant has not been reported in the literature in individuals affected with CARD14-related conditions. ClinVar contains an entry for this variant (Variation ID: 1514189). Invitae Evidence Modeling of protein sequence and biophysical properties (such as structural, functional, and spatial information, amino acid conservation, physicochemical variation, residue mobility, and thermodynamic stability) has been performed for this missense variant. However, the output from this modeling did not meet the statistical confidence thresholds required to predict the impact of this variant on CARD14 protein function. In summary, the available evidence is currently insufficient to determine the role of this variant in disease. Therefore, it has been classified as a Variant of Uncertain Significance.